The following is an entry in ClinVar:

NM_006618.5(KDM5B):c.3520G>A (p.Val1174Met)

Gene: KDM5B (lysine demethylase 5B; minus strand). Cytogenetic location: 1q32.1.
Variant type: single nucleotide variant.
Coding change: c.3520G>A on transcript NM_006618.5 (MANE Select); coding-DNA position 3520, G replaced by A.
Protein change: p.Val1174Met; replaces valine 1174 with methionine.
Molecular consequence: missense variant.
Genome position (GRCh38, 1-based): chr1:202,733,790, C>T on the plus strand (G>A on the coding strand, the complement: KDM5B is on the minus strand). VCF-style: chr1-202733790-C-T. GRCh37 (hg19) VCF-style: chr1-202702918-C-T.
Other names: c.3628G>A, p.Val1210Met (NM_001314042.2); c.3385G>A, p.Val1129Met (NM_001347591.2); c.3505G>A, p.Val1169Met (NM_001399817.1); c.3520G>A (NM_006618.4); short protein forms V1129M, V1169M, V1174M, V1210M.
Identifiers: ClinVar variation 1690826 (VCV001690826.27), dbSNP rs143647342, ClinGen allele CA1334163.

ClinVar aggregate classification (germline): Conflicting classifications of pathogenicity. Review status: criteria provided, conflicting classifications (1 of 4 stars). 3 submissions from 3 submitters: Uncertain significance (1); Likely benign (2). Last evaluated 2026-09-01.

Conditions:
KDM5B-related disorder. Also called: KDM5B-related condition.

Allele frequency attached by ClinVar (database versions not stated): gnomAD exomes 0.00010 and 0.00022; ExAC 0.00030; 1000 Genomes Project 30x 0.00094; gnomAD 0.00095 and 0.00103; 1000 Genomes Project 0.00100; ESP Exome Variant Server 0.00115; TOPMed 0.00120.
gnomAD v4.1: 299 of 1,614,162 alleles (0.019%); highest among the groups gnomAD compares: African/African-American, 0.34%; no homozygotes.

Submissions (3):

CeGaT Center for Human Genetics Tuebingen
Classification: Likely benign. Last evaluated: 2026-09-01. Review status: criteria provided, single submitter. Criteria: CeGaT Center For Human Genetics Tuebingen Variant Classification Criteria Version 2. Collection method: clinical testing. Allele origin: germline. Affected: yes. Observed: 3 variant alleles.
Comment: KDM5B: BP4

PreventionGenetics, part of Exact Sciences
Classification: Likely benign for KDM5B-related condition. Last evaluated: 2025-05-15. Review status: criteria provided, single submitter. Criteria: ACMG Guidelines, 2015. Collection method: clinical testing. Allele origin: germline.
Comment: This variant is classified as likely benign based on ACMG/AMP sequence variant interpretation guidelines (Richards et al. 2015 PMID: 25741868, with internal and published modifications).

Laboratorio de Genetica e Diagnostico Molecular, Hospital Israelita Albert Einstein
Classification: Uncertain significance. Last evaluated: 2020-02-25. Review status: criteria provided, single submitter. Criteria: ACMG Guidelines, 2015. Collection method: clinical testing. Allele origin: germline. Affected: yes.
Comment: ACMG classification criteria: PM2, BP4